The following is an entry in ClinVar:

ClinVar aggregate classification (germline): Uncertain significance (1 of 4 stars; one submission).

Conditions:
Cardiovascular phenotype. Identifiers: MedGen CN230736.

Submission:

Ambry Genetics
Classification: Uncertain significance for Cardiovascular phenotype. Last evaluated: 2020-06-04. Review status: criteria provided, single submitter. Criteria: Ambry Variant Classification Scheme 2023. Collection method: clinical testing. Allele origin: germline.
Comment: The p.I7902V variant (also known as c.23704A>G), located in coding exon 97 of the TTN gene, results from an A to G substitution at nucleotide position 23704. The isoleucine at codon 7902 is replaced by valine, an amino acid with highly similar properties. This amino acid position is not well conserved in available vertebrate species, and valine is the reference amino acid in other vertebrate species. In addition, this alteration is predicted to be tolerated by in silico analysis. Since supporting evidence is limited at this time, the clinical significance of this alteration remains unclear.

NM_001267550.2(TTN):c.50899A>G (p.Ile16967Val)

Genes: TTN (titin; minus strand), TTN-AS1 (TTN antisense RNA 1; plus strand). Cytogenetic location: 2q31.2.
Variant type: single nucleotide variant.
Coding change: c.50899A>G on transcript NM_001267550.2 (MANE Select); coding-DNA position 50899, A replaced by G.
Protein change: p.Ile16967Val; replaces isoleucine 16967 with valine.
Molecular consequence: missense variant.
Genome position (GRCh38, 1-based): chr2:178,611,230, T>C on the plus strand (A>G on the coding strand, the complement: TTN is on the minus strand). VCF-style: chr2-178611230-T-C. GRCh37 (hg19) VCF-style: chr2-179475957-T-C.
Other names: c.45976A>G, p.Ile15326Val (NM_001256850.1); c.23704A>G, p.Ile7902Val (NM_003319.4); c.43195A>G, p.Ile14399Val (NM_133378.4); c.24079A>G, p.Ile8027Val (NM_133432.3); c.24280A>G, p.Ile8094Val (NM_133437.4); short protein forms I15326V, I8027V, I8094V, I14399V, I16967V, I7902V.
Identifiers: ClinVar variation 1790287 (VCV001790287.2), dbSNP rs2470480602, ClinGen allele CA349591028.